The following is an entry in ClinVar:

ClinVar aggregate classification (germline): Uncertain significance (1 of 4 stars; one submission).

Submission:

Labcorp Genetics (formerly Invitae), Labcorp
Classification: Uncertain significance. Last evaluated: 2025-09-10. Review status: criteria provided, single submitter. Criteria: Invitae Variant Classification Sherloc (09022015). Collection method: clinical testing. Allele origin: germline.
Comment: This sequence change replaces serine, which is neutral and polar, with arginine, which is basic and polar, at codon 982 of the MSH3 protein (p.Ser982Arg). This variant is not present in population databases (gnomAD no frequency). This variant has not been reported in the literature in individuals affected with MSH3-related conditions. An algorithm developed to predict the effect of missense changes on protein structure and function (PolyPhen-2) suggests that this variant is likely to be disruptive. In summary, the available evidence is currently insufficient to determine the role of this variant in disease. Therefore, it has been classified as a Variant of Uncertain Significance.

NM_002439.5(MSH3):c.2946C>A (p.Ser982Arg)

Gene: MSH3 (mutS homolog 3; plus strand). Cytogenetic location: 5q14.1.
Variant type: single nucleotide variant.
Coding change: c.2946C>A on transcript NM_002439.5 (MANE Select); coding-DNA position 2946, C replaced by A.
Protein change: p.Ser982Arg; replaces serine 982 with arginine.
Molecular consequence: missense variant.
Genome position (GRCh38, 1-based): chr5:80,854,262, C>A. VCF-style: chr5-80854262-C-A. GRCh37 (hg19) VCF-style: chr5-80150081-C-A.
Other names: short protein forms S982R.
Identifiers: ClinVar variation 4726993 (VCV004726993.1).
Genomic context (GRCh38, chr5:80,854,262, plus strand): 5'-AATCAGAAAAGCAACATCACAGTCCTTGGTTATCTTGGATGAACTAGGAAGAGGGACGAG[C>A]ACTCATGATGGAATTGCCATTGCCTATGCTACACTTGAGTATTTCATCAGAGATGTAAGT-3'
Protein context (NP_002430.3, residues 972-992): VILDELGRGT[Ser982Arg]THDGIAIAYA